The following is an entry in ClinVar:

NM_000094.4(COL7A1):c.8240C>T (p.Pro2747Leu)

Gene: COL7A1 (collagen type VII alpha 1 chain; minus strand). Cytogenetic location: 3p21.31.
Variant type: single nucleotide variant.
Coding change: c.8240C>T on transcript NM_000094.4 (MANE Select); coding-DNA position 8240, C replaced by T.
Protein change: p.Pro2747Leu; replaces proline 2747 with leucine.
Molecular consequence: missense variant.
Genome position (GRCh38, 1-based): chr3:48,566,724, G>A on the plus strand (C>T on the coding strand, the complement: COL7A1 is on the minus strand). VCF-style: chr3-48566724-G-A. GRCh37 (hg19) VCF-style: chr3-48604157-G-A.
Other names: short protein forms P2747L.
Identifiers: ClinVar variation 345796 (VCV000345796.14), dbSNP rs139566877, ClinGen allele CA2378108.
Genomic context (GRCh38, chr3:48,566,724, plus strand): 5'-TCCCCTCTCTCGCCAGGAGCTCCAGGGACCCCAGGAGCCCCCACCACTCTCTCTCCGGGG[G>A]GACCTCGCTCACCCTGTCAGACACAGGGACCAAGTGAGCAGGGTCAGAGGCAGTGGGGAT-3'
Protein context (NP_000085.1, residues 2737-2757): GLQGQKGERG[Pro2747Leu]PGERVVGAPG

ClinVar aggregate classification (germline): Uncertain significance. Review status: criteria provided, multiple submitters, no conflicts (2 of 4 stars). 4 submissions from 4 submitters: Uncertain significance (3). 1 of the submissions does not count toward it. Last evaluated 2025-12-15.

Conditions:
Inborn genetic diseases. Identifiers: MedGen C0950123, MeSH D030342.
Epidermolysis bullosa dystrophica. Also called: Dystrophic epidermolysis bullosa, Hallopeau-Siemens type (formerly); Dystrophic epidermolysis bullosa. Identifiers: Orphanet 303, MedGen C0079294, MONDO:0006543.

Allele frequency attached by ClinVar (database versions not stated): ExAC 0.00012; gnomAD exomes 0.00017; TOPMed 0.00019; ESP Exome Variant Server 0.00023; gnomAD 0.00023.
gnomAD v4.1: 517 of 1,613,672 alleles (0.032%); highest among the groups gnomAD compares: Non-Finnish European, 0.043%; no homozygotes.

Submissions (4):

Labcorp Genetics (formerly Invitae), Labcorp
Classification: Uncertain significance. Last evaluated: 2025-12-15. Review status: criteria provided, single submitter. Criteria: Invitae Variant Classification Sherloc (09022015). Collection method: clinical testing. Allele origin: germline.
Comment: This sequence change replaces proline, which is neutral and non-polar, with leucine, which is neutral and non-polar, at codon 2747 of the COL7A1 protein (p.Pro2747Leu). This variant is present in population databases (rs139566877, gnomAD 0.03%). This variant has not been reported in the literature in individuals affected with COL7A1-related conditions. ClinVar contains an entry for this variant (Variation ID: 345796). Invitae Evidence Modeling of protein sequence and biophysical properties (such as structural, functional, and spatial information, amino acid conservation, physicochemical variation, residue mobility, and thermodynamic stability) has been performed for this missense variant. However, the output from this modeling did not meet the statistical confidence thresholds required to predict the impact of this variant on COL7A1 protein function. In summary, the available evidence is currently insufficient to determine the role of this variant in disease. Therefore, it has been classified as a Variant of Uncertain Significance.

Ambry Genetics
Classification: Uncertain significance for Inborn genetic diseases. Last evaluated: 2024-08-10. Review status: criteria provided, single submitter. Criteria: Ambry Variant Classification Scheme 2023. Collection method: clinical testing. Allele origin: germline.

Illumina Laboratory Services, Illumina
Classification: Uncertain significance for Dystrophic epidermolysis bullosa. Last evaluated: 2018-01-12. Review status: criteria provided, single submitter. Criteria: ICSL Variant Classification Criteria 13 December 2019. Collection method: clinical testing. Allele origin: germline.

Natera, Inc.
Classification: Uncertain significance for Dystrophic epidermolysis bullosa. Last evaluated: 2020-05-06. Review status: no assertion criteria provided. Collection method: clinical testing. Allele origin: germline. Not counted in ClinVar's aggregate classification.